The following is an entry in ClinVar:

NC_000001.11:g.(?_193122191)_(193150392_?)del

Gene: CDC73 (cell division cycle 73; plus strand). Cytogenetic location: 1q31.2.
Variant type: Deletion.
Identifiers: ClinVar variation 830553 (VCV000830553.6).

ClinVar aggregate classification (germline): Pathogenic (1 of 4 stars; one submission).

Conditions:
Parathyroid carcinoma (PRTC). Also called: Parathyroid gland carcinoma; CDC73-Related Parathyroid Carcinoma. Identifiers: Orphanet 143, MedGen C0687150, MONDO:0012004, OMIM 608266, HP:0006780.

Submission:

Labcorp Genetics (formerly Invitae), Labcorp
Classification: Pathogenic for Parathyroid carcinoma. Last evaluated: 2019-07-15. Review status: criteria provided, single submitter. Criteria: Invitae Variant Classification Sherloc (09022015). Collection method: clinical testing. Allele origin: germline.
Comment: For these reasons, this variant has been classified as Pathogenic. Loss-of-function variants in CDC73 are known to be pathogenic (PMID: 12434154). This variant has not been reported in the literature in individuals with CDC73-related conditions. This variant is a gross deletion of the genomic region encompassing exons 1-9 of the CDC73 gene, which includes the initiator codon. The 5' end of this event is unknown as it extends beyond the assayed region for this gene and therefore may encompass additional genes. The 3' boundary is likely confined to intron 9 of the CDC73 gene. This is expected to result in an absent or disrupted protein product.

Literature cited by the submitters: PubMed 12434154.